The following is an entry in ClinVar:

NM_148919.4(PSMB8):c.383del (p.Glu128fs)

Gene: PSMB8 (proteasome 20S subunit beta 8; minus strand). Cytogenetic location: 6p21.32.
Variant type: Deletion.
Coding change: c.383del on transcript NM_148919.4 (MANE Select); coding-DNA position 383, one base deleted (A; older notation c.383delA).
Protein change: p.Glu128fs; shifts the reading frame from glutamic acid 128.
Molecular consequence: frameshift variant.
Genome position (GRCh38, 1-based): chr6:32,842,696, T deleted on the plus strand (A on the coding strand, the reverse complement: PSMB8 is on the minus strand). VCF-style (leftmost placement, unchanged base first): chr6-32842695-CT-C. GRCh37 (hg19) VCF-style: chr6-32810472-CT-C.
Other names: c.371del, p.Glu124fs (NM_004159.5); short protein forms E128fs, E124fs.
Identifiers: ClinVar variation 2844110 (VCV002844110.3), dbSNP rs2483087076, ClinGen allele CA2739272903.

ClinVar aggregate classification (germline): Pathogenic (1 of 4 stars; one submission).

Conditions:
Proteosome-associated autoinflammatory syndrome. Also called: Proteasome-associated autoinflammatory syndrome. Identifiers: Orphanet 324977, MedGen C1850568, MONDO:0009726.

Submission:

Labcorp Genetics (formerly Invitae), Labcorp
Classification: Pathogenic for Proteosome-associated autoinflammatory syndrome. Last evaluated: 2023-08-18. Review status: criteria provided, single submitter. Criteria: Invitae Variant Classification Sherloc (09022015). Collection method: clinical testing. Allele origin: germline.
Comment: For these reasons, this variant has been classified as Pathogenic. This variant has not been reported in the literature in individuals affected with PSMB8-related conditions. This variant is not present in population databases (gnomAD no frequency). This sequence change creates a premature translational stop signal (p.Glu128Glyfs*31) in the PSMB8 gene. It is expected to result in an absent or disrupted protein product. Loss-of-function variants in PSMB8 are known to be pathogenic (PMID: 26524591).

Literature cited by the submitters: PubMed 26524591.